The following is an entry in ClinVar:

NM_000059.4(BRCA2):c.10065T>G (p.Gly3355=)

Gene: BRCA2 (BRCA2 DNA repair associated; plus strand). Cytogenetic location: 13q13.1.
Variant type: single nucleotide variant.
Coding change: c.10065T>G on transcript NM_000059.4 (MANE Select); coding-DNA position 10065, T replaced by G.
Protein change: p.Gly3355=; no amino-acid change (glycine 3355 retained).
Molecular consequence: synonymous variant.
Genome position (GRCh38, 1-based): chr13:32,398,578, T>G. VCF-style: chr13-32398578-T-G. GRCh37 (hg19) VCF-style: chr13-32972715-T-G.
Identifiers: ClinVar variation 427503 (VCV000427503.15), dbSNP rs752218391, ClinGen allele CA6941468.

ClinVar aggregate classification (germline): Likely benign. Review status: reviewed by expert panel (3 of 4 stars). 8 submissions from 8 submitters: Likely benign (1). 7 of the submissions do not count toward it. Last evaluated 2017-06-29.

Conditions:
Hereditary cancer-predisposing syndrome. Also called: Hereditary neoplastic syndrome; Hereditary Cancer Syndrome; Neoplastic Syndromes, Hereditary; Tumor predisposition. Identifiers: Orphanet 140162, MedGen C0027672, MeSH D009386, MONDO:0015356.
Breast-ovarian cancer, familial, susceptibility to, 2 (BROVCA2). Also called: BRCA2 Hereditary Breast and Ovarian Cancer. Identifiers: Orphanet 145, MedGen C2675520, MONDO:0012933, OMIM 612555. Disease mechanism: loss of function.
Hereditary breast ovarian cancer syndrome. Also called: Hereditary breast and ovarian cancer syndrome; BRCA1- and BRCA2-Associated Hereditary Breast and Ovarian Cancer; Hereditary breast and/or ovarian cancer syndrome; Hereditary breast and ovarian cancer; Breast and ovarian cancer; Hereditary breast and ovarian cancer syndrome (HBOC). Identifiers: Orphanet 145, MedGen C0677776, MeSH D061325, MONDO:0003582. Disease mechanism: loss of function.

Allele frequency attached by ClinVar (database versions not stated): gnomAD exomes below 0.00001 and 0.00001; ExAC 0.00001.
gnomAD v4.1: 2 of 1,614,168 alleles (0.00012%); highest among the groups gnomAD compares: Non-Finnish European, 0.00017%; no homozygotes.

Submissions (8):

Evidence-based Network for the Interpretation of Germline Mutant Alleles (ENIGMA)
Classification: Likely benign for Breast-ovarian cancer, familial, susceptibility to, 2. Last evaluated: 2017-06-29. Review status: reviewed by expert panel. Criteria: ENIGMA BRCA1/2 Classification Criteria (2017-06-29). Collection method: curation. Allele origin: germline.
Comment: Synonymous substitution variant, with low bioinformatic likelihood to result in a splicing aberration (Splicing prior probability 0.02).

Labcorp Genetics (formerly Invitae), Labcorp
Classification: Likely benign for Hereditary breast ovarian cancer syndrome. Last evaluated: 2025-03-19. Review status: criteria provided, single submitter. Criteria: Invitae Variant Classification Sherloc (09022015). Collection method: clinical testing. Allele origin: germline. Not counted in ClinVar's aggregate classification.

Quest Diagnostics Nichols Institute San Juan Capistrano
Classification: Likely benign. Last evaluated: 2025-03-09. Review status: criteria provided, single submitter. Criteria: Quest Diagnostics criteria. Collection method: clinical testing. Allele origin: unknown. Not counted in ClinVar's aggregate classification.

Ambry Genetics
Classification: Likely benign for Hereditary cancer-predisposing syndrome. Last evaluated: 2024-07-24. Review status: criteria provided, single submitter. Criteria: Ambry Variant Classification Scheme 2023. Collection method: clinical testing. Allele origin: germline. Not counted in ClinVar's aggregate classification.

All of Us Research Program, National Institutes of Health
Classification: Likely benign for Breast-ovarian cancer, familial, susceptibility to, 2. Last evaluated: 2023-04-03. Review status: criteria provided, single submitter. Criteria: ACMG Guidelines, 2015. Collection method: clinical testing. Allele origin: germline. Inheritance: Autosomal dominant inheritance. Observed: 1 variant allele, 1 heterozygote. Not counted in ClinVar's aggregate classification.
Comment: This study involves interpretation of variants in research participants for the purpose of population health screening. Participant phenotype was not available at the time of variant classification. Additional details can be found in publication PMID: 35346344, PMCID: PMC8962531

Color Diagnostics, LLC DBA Color Health
Classification: Likely benign for Hereditary cancer-predisposing syndrome. Last evaluated: 2022-04-20. Review status: criteria provided, single submitter. Criteria: ACMG Guidelines, 2015. Collection method: clinical testing. Allele origin: germline. Not counted in ClinVar's aggregate classification.

GeneDx
Classification: Likely benign. Last evaluated: 2018-01-03. Review status: criteria provided, single submitter. Criteria: GeneDx Variant Classification (06012015). Collection method: clinical testing. Allele origin: germline. Affected: yes. Not counted in ClinVar's aggregate classification.
Comment: This variant is considered likely benign or benign based on one or more of the following criteria: it is a conservative change, it occurs at a poorly conserved position in the protein, it is predicted to be benign by multiple in silico algorithms, and/or has population frequency not consistent with disease.

BRCAlab, Lund University
Classification: Likely benign for Breast-ovarian cancer, familial, susceptibility to, 2. Last evaluated: 2020-03-02. Review status: no assertion criteria provided. Collection method: clinical testing. Allele origin: germline. Affected: yes. Not counted in ClinVar's aggregate classification.